The following is an entry in ClinVar:

NM_025081.3(NYNRIN):c.3317A>T (p.Asp1106Val)

Gene: NYNRIN (NYN domain and retroviral integrase containing; plus strand). Cytogenetic location: 14q12.
Variant type: single nucleotide variant.
Coding change: c.3317A>T on transcript NM_025081.3 (MANE Select); coding-DNA position 3317, A replaced by T.
Protein change: p.Asp1106Val; replaces aspartic acid 1106 with valine.
Molecular consequence: missense variant.
Genome position (GRCh38, 1-based): chr14:24,415,066, A>T. VCF-style: chr14-24415066-A-T. GRCh37 (hg19) VCF-style: chr14-24884272-A-T.
Other names: short protein forms D1106V.
Identifiers: ClinVar variation 2628657 (VCV002628657.2), dbSNP rs374795039, ClinGen allele CA7137229.

ClinVar aggregate classification (germline): Uncertain significance. Review status: criteria provided, multiple submitters, no conflicts (2 of 4 stars). 2 submissions from 2 submitters: Uncertain significance (2). Last evaluated 2025-09-26.

Conditions:
NYNRIN-related disorder. Also called: NYNRIN-related condition.

Allele frequency attached by ClinVar (database versions not stated): TOPMed 0.00005; ExAC 0.00002; gnomAD 0.00005; gnomAD exomes below 0.00001; ESP Exome Variant Server 0.00008.
gnomAD v4.1: 12 of 1,612,618 alleles (0.00074%); highest among the groups gnomAD compares: African/African-American, 0.016%; no homozygotes.

Submissions (2):

Ambry Genetics
Classification: Uncertain significance. Last evaluated: 2025-09-26. Review status: criteria provided, single submitter. Criteria: Ambry Variant Classification Scheme 2023. Collection method: clinical testing. Allele origin: germline.

PreventionGenetics, part of Exact Sciences
Classification: Uncertain significance for NYNRIN-related condition. Last evaluated: 2023-06-14. Review status: criteria provided, single submitter. Criteria: ACMG Guidelines, 2015. Collection method: clinical testing. Allele origin: germline.
Comment: The NYNRIN c.3317A>T variant is predicted to result in the amino acid substitution p.Asp1106Val. To our knowledge, this variant has not been reported in the literature. This variant is reported in 0.021% of alleles in individuals of African descent in gnomAD. At this time, the clinical significance of this variant is uncertain due to the absence of conclusive functional and genetic evidence.